The following is an entry in ClinVar:

ClinVar aggregate classification (germline): Benign/Likely benign. Review status: criteria provided, multiple submitters, no conflicts (2 of 4 stars). 4 submissions from 4 submitters: Benign (1); Likely benign (3). Last evaluated 2026-03-01.

Conditions:
Lowe syndrome (OCRL). Also called: PHOSPHATIDYLINOSITOL 4,5-BISPHOSPHATE 5-PHOSPHATASE DEFICIENCY; LOWE OCULOCEREBRORENAL SYNDROME; Oculocerebrorenal Syndrome. Identifiers: Orphanet 534, MedGen C0028860, MONDO:0010645, OMIM 309000.
Dent disease type 2. Identifiers: Orphanet 1652, Orphanet 93623, MedGen C1845167, MONDO:0010359, OMIM 300555.

Allele frequency attached by ClinVar (database versions not stated): TOPMed 0.00009; gnomAD 0.00013 and 0.00014; gnomAD exomes 0.00013 and 0.00016; ExAC 0.00016; ESP Exome Variant Server 0.00019.
gnomAD v4.1: 159 of 1,209,827 alleles (0.013%); highest among the groups gnomAD compares: Non-Finnish European, 0.016%; no homozygotes.

Submissions (4):

CeGaT Center for Human Genetics Tuebingen
Classification: Likely benign. Last evaluated: 2026-03-01. Review status: criteria provided, single submitter. Criteria: CeGaT Center For Human Genetics Tuebingen Variant Classification Criteria Version 2. Collection method: clinical testing. Allele origin: germline. Affected: yes. Observed: 4 variant alleles.
Comment: OCRL: BP4, BP7, BS2

Labcorp Genetics (formerly Invitae), Labcorp
Classification: Benign for Lowe syndrome. Last evaluated: 2025-11-10. Review status: criteria provided, single submitter. Criteria: Invitae Variant Classification Sherloc (09022015). Collection method: clinical testing. Allele origin: germline.

Blueprint Genetics
Classification: Likely benign. Last evaluated: 2024-11-23. Review status: criteria provided, single submitter. Criteria: ACMG Guidelines, 2015. Collection method: clinical testing. Allele origin: germline.

Fulgent Genetics
Classification: Likely benign for Dent disease type 2; Lowe syndrome. Last evaluated: 2021-11-10. Review status: criteria provided, single submitter. Criteria: ACMG Guidelines, 2015. Collection method: clinical testing. Allele origin: unknown.

NM_000276.4(OCRL):c.2415C>T (p.Tyr805=)

Gene: OCRL (OCRL inositol polyphosphate-5-phosphatase; plus strand). Cytogenetic location: Xq26.1.
Variant type: single nucleotide variant.
Coding change: c.2415C>T on transcript NM_000276.4 (MANE Select); coding-DNA position 2415, C replaced by T.
Protein change: p.Tyr805=; no amino-acid change (tyrosine 805 retained).
Molecular consequence: synonymous variant.
Genome position (GRCh38, 1-based): chrX:129,588,959, C>T. VCF-style: chrX-129588959-C-T. GRCh37 (hg19) VCF-style: chrX-128722936-C-T.
Other names: c.2418C>T, p.Tyr806= (NM_001318784.2); c.2391C>T, p.Tyr797= (NM_001587.4).
Identifiers: ClinVar variation 1168649 (VCV001168649.41), dbSNP rs377180274, ClinGen allele CA10512361.